The following is an entry in ClinVar:

NM_012082.4(ZFPM2):c.2564_2565dup (p.Cys856fs)

Genes: ZFPM2 (zinc finger protein, FOG family member 2; plus strand), ZFPM2-AS1 (ZFPM2 antisense RNA 1; minus strand), LOC126860469 (BRD4-independent group 4 enhancer GRCh37_chr8:106814445-106815644; plus strand). Cytogenetic location: 8q23.1.
Variant type: Duplication.
Coding change: c.2564_2565dup on transcript NM_012082.4 (MANE Select); coding-DNA positions 2564 to 2565, 2 bases duplicated (AG; older notation c.2564_2565dupAG).
Protein change: p.Cys856fs; shifts the reading frame from cysteine 856.
Molecular consequence: frameshift variant.
Genome position (GRCh38, 1-based): chr8:105,802,646-105,802,647, AG duplicated; duplicating any 2 consecutive bases within chr8:105,802,645-105,802,647 gives the same sequence; the c. name uses the placement nearest the transcript's 3' end. VCF-style (leftmost placement, unchanged base first): chr8-105802644-C-CGA. GRCh37 (hg19) VCF-style: chr8-106814872-C-CGA.
Other names: c.2405_2406dup, p.Cys803fs (NM_001362836.2); c.2168_2169dup, p.Cys724fs (NM_001362837.2); short protein forms C803fs, C724fs, C856fs.
Identifiers: ClinVar variation 3393579 (VCV003393579.1).

ClinVar aggregate classification (germline): Likely pathogenic (1 of 4 stars; one submission).

Submission:

GeneDx
Classification: Likely pathogenic. Last evaluated: 2024-03-12. Review status: criteria provided, single submitter. Criteria: GeneDx Variant Classification Process June 2021. Collection method: clinical testing. Allele origin: germline. Affected: yes.
Comment: Frameshift variant predicted to result in abnormal protein length as the last 296 amino acids are replaced with 11 different amino acids, and other similar variants have been reported in HGMD; Not observed at significant frequency in large population cohorts (gnomAD); Has not been previously published as pathogenic or benign to our knowledge